The following is an entry in ClinVar:

ClinVar aggregate classification (germline): Pathogenic. Review status: criteria provided, multiple submitters, no conflicts (2 of 4 stars). 3 submissions from 3 submitters: Pathogenic (3). Last evaluated 2023-05-05.

Conditions:
Familial adenomatous polyposis 1 (FAP1). Also called: FAMILIAL ADENOMATOUS POLYPOSIS 1, ATTENUATED; POLYPOSIS, ADENOMATOUS INTESTINAL. Identifiers: MedGen C2713442, MONDO:0021056, OMIM 175100. Disease mechanism: loss of function.
Hereditary cancer-predisposing syndrome. Also called: Hereditary Cancer Syndrome; Neoplastic Syndromes, Hereditary; Hereditary neoplastic syndrome; Tumor predisposition. Identifiers: Orphanet 140162, MedGen C0027672, MeSH D009386, MONDO:0015356.

Submissions (3):

Myriad Genetics, Inc.
Classification: Pathogenic for Familial adenomatous polyposis 1. Last evaluated: 2023-05-05. Review status: criteria provided, single submitter. Criteria: Myriad Autosomal Dominant, Autosomal Recessive and X-Linked Classification Criteria (2023). Collection method: clinical testing. Allele origin: unknown.
Comment: This variant is considered pathogenic. This variant creates a frameshift predicted to result in premature protein truncation.

Labcorp Genetics (formerly Invitae), Labcorp
Classification: Pathogenic for Familial adenomatous polyposis 1. Last evaluated: 2021-08-27. Review status: criteria provided, single submitter. Criteria: Invitae Variant Classification Sherloc (09022015). Collection method: clinical testing. Allele origin: germline.
Comment: This premature translational stop signal has been observed in individual(s) with clinical features of familial adenomatous polyposis (PMID: 19029688). For these reasons, this variant has been classified as Pathogenic. A different truncation (p.Tyr2645Lysfs*14) that lies downstream of this variant has been determined to be pathogenic (PMID: 9824584, 1316610, 27081525, 8381579, 22135120, Invitae). This suggests that deletion of this region of the APC protein is causative of disease. This variant is expected to disrupt the EB1 and HDLG binding sites, which mediate interactions with the cytoskeleton (PMID: 15311282, 17293347). While functional studies have not been performed to directly test the effect on APC protein function, this suggests that disruption of the C-terminal portion of the protein is functionally important. ClinVar contains an entry for this variant (Variation ID: 428141). This variant is also known as c.3183_3184insA. This variant is not present in population databases (ExAC no frequency). This sequence change creates a premature translational stop signal (p.Gln1062Thrfs*3) in the APC gene. While this is not anticipated to result in nonsense mediated decay, it is expected to disrupt the last 1782 amino acid(s) of the APC protein.

Ambry Genetics
Classification: Pathogenic for Hereditary cancer-predisposing syndrome. Last evaluated: 2015-10-02. Review status: criteria provided, single submitter. Criteria: Ambry Autosomal Dominant and X-Linked criteria (10/2015). Collection method: clinical testing. Allele origin: germline. Observed: 1 variant allele.
Comment: This alteration occurs at the 3' terminus of theâ€¯APC gene and is not expected to trigger nonsense-mediated mRNA decay. However, premature stop codons are typically deleterious in nature, the impacted region is critical for protein function, and a significant portion of the protein is affected (Ambry internal data). Based on the supporting evidence, this alteration is interpreted as a disease-causing mutation.

Literature cited by the submitters: PubMed 19029688 (cited by Labcorp Genetics (formerly Invitae), Labcorp); PubMed 9824584 (cited by Labcorp Genetics (formerly Invitae), Labcorp); PubMed 1316610 (cited by Labcorp Genetics (formerly Invitae), Labcorp); PubMed 27081525 (cited by Labcorp Genetics (formerly Invitae), Labcorp); PubMed 8381579 (cited by Labcorp Genetics (formerly Invitae), Labcorp); PubMed 22135120 (cited by Labcorp Genetics (formerly Invitae), Labcorp); PubMed 15311282 (cited by Labcorp Genetics (formerly Invitae), Labcorp); PubMed 17293347 (cited by Labcorp Genetics (formerly Invitae), Labcorp).

NM_000038.6(APC):c.3183dup (p.Gln1062fs)

Gene: APC (APC regulator of Wnt signaling pathway; plus strand). Cytogenetic location: 5q22.2.
Variant type: Duplication.
Coding change: c.3183dup on transcript NM_000038.6 (MANE Select); coding-DNA position 3183, one base duplicated (A; older notation c.3183dupA).
Protein change: p.Gln1062fs; shifts the reading frame from glutamine 1062.
Molecular consequence: frameshift variant.
Genome position (GRCh38, 1-based): chr5:112,838,777, A duplicated; the last of 4 consecutive A bases (chr5:112,838,774-112,838,777); duplicating any one gives the same sequence. VCF-style (leftmost placement, unchanged base first): chr5-112838773-T-TA. GRCh37 (hg19) VCF-style: chr5-112174470-T-TA.
Other names: c.3183dup, p.Gln1062fs (NM_001127510.3, NM_001354895.2); c.3129dup, p.Gln1044fs (NM_001127511.3); c.3237dup, p.Gln1080fs (NM_001354896.2); c.3213dup, p.Gln1072fs (NM_001354897.2); c.3108dup, p.Gln1037fs (NM_001354898.2); c.3099dup, p.Gln1034fs (NM_001354899.2); c.3060dup, p.Gln1021fs (NM_001354900.2); c.3006dup, p.Gln1003fs (NM_001354901.2); and 6 more; short protein forms Q1044fs, Q936fs, Q961fs, Q1003fs, Q1021fs, Q1062fs, Q902fs, Q779fs.
Identifiers: ClinVar variation 428141 (VCV000428141.10), dbSNP rs1114167582, ClinGen allele CA645369371.
Genomic context (GRCh38, chr5:112,838,773, plus strand): 5'-GGCAAAGTCCTTCACAGAATGAAAGATGGGCAAGACCCAAACACATAATAGAAGATGAAA[T>TA]AAAACAAAGTGAGCAAAGACAATCAAGGAATCAAAGTACAACTTATCCTGTTTATACTGA-3'